The following is an entry in ClinVar:

ClinVar aggregate classification (germline): Uncertain significance (1 of 4 stars; one submission).

Conditions:
Tuberous sclerosis 1 (TSC1). Identifiers: Orphanet 805, MedGen C1854465, MONDO:0008612, OMIM 191100.

Submission:

Labcorp Genetics (formerly Invitae), Labcorp
Classification: Uncertain significance for Tuberous sclerosis 1. Last evaluated: 2024-03-14. Review status: criteria provided, single submitter. Criteria: Invitae Variant Classification Sherloc (09022015). Collection method: clinical testing. Allele origin: germline.
Comment: This sequence change affects codon 35 of the TSC1 mRNA. It is a 'silent' change, meaning that it does not change the encoded amino acid sequence of the TSC1 protein. It affects a nucleotide within the consensus splice site. This variant is not present in population databases (gnomAD no frequency). This variant has not been reported in the literature in individuals affected with TSC1-related conditions. ClinVar contains an entry for this variant (Variation ID: 659399). Algorithms developed to predict the effect of sequence changes on RNA splicing suggest that this variant is not likely to affect RNA splicing. In summary, the available evidence is currently insufficient to determine the role of this variant in disease. Therefore, it has been classified as a Variant of Uncertain Significance.

NM_000368.5(TSC1):c.105T>C (p.Ser35=)

Gene: TSC1 (TSC complex subunit 1; minus strand). Cytogenetic location: 9q34.13.
Variant type: single nucleotide variant.
Coding change: c.105T>C on transcript NM_000368.5 (MANE Select); coding-DNA position 105, T replaced by C.
Protein change: p.Ser35=; no amino-acid change (serine 35 retained).
Molecular consequence: synonymous variant. On other transcripts: 5 prime UTR variant (1).
Genome position (GRCh38, 1-based): chr9:132,928,768, A>G on the plus strand (T>C on the coding strand, the complement: TSC1 is on the minus strand). VCF-style: chr9-132928768-A-G. GRCh37 (hg19) VCF-style: chr9-135804155-A-G.
Other names: c.105T>C, p.Ser35= (NM_001162426.2, NM_001162427.2); c.-155T>C (NM_001362177.2).
Identifiers: ClinVar variation 659399 (VCV000659399.10), dbSNP rs1588363213, ClinGen allele CA467594314.